The following is an entry in ClinVar:

ClinVar aggregate classification (germline): Conflicting classifications of pathogenicity. Review status: criteria provided, conflicting classifications (1 of 4 stars). 7 submissions from 7 submitters: Uncertain significance (5); Benign (2). Last evaluated 2025-11-19.

Conditions:
Breast and/or ovarian cancer. Identifiers: MedGen CN221562.
Hereditary cancer-predisposing syndrome. Also called: Tumor predisposition; Hereditary Cancer Syndrome; Hereditary neoplastic syndrome; Neoplastic Syndromes, Hereditary. Identifiers: Orphanet 140162, MedGen C0027672, MeSH D009386, MONDO:0015356.
Peutz-Jeghers syndrome (PJS). Also called: POLYPOSIS, HAMARTOMATOUS INTESTINAL; POLYPS-AND-SPOTS SYNDROME; Peutz-Jeghers polyposis; Periorificial lentiginosis syndrome. Identifiers: Orphanet 2869, MedGen C0031269, MeSH D010580, MONDO:0008280, OMIM 175200.

Allele frequency attached by ClinVar (database versions not stated): gnomAD 0.00001; TOPMed 0.00001.
gnomAD v4.1: 14 of 1,542,420 alleles (0.00091%); highest among the groups gnomAD compares: South Asian, 0.0024%; no homozygotes.

Submissions (7):

Labcorp Genetics (formerly Invitae), Labcorp
Classification: Benign for Peutz-Jeghers syndrome. Last evaluated: 2025-11-19. Review status: criteria provided, single submitter. Criteria: Invitae Variant Classification Sherloc (09022015). Collection method: clinical testing. Allele origin: germline.

All of Us Research Program, National Institutes of Health
Classification: Uncertain significance for Peutz-Jeghers syndrome. Last evaluated: 2024-05-30. Review status: criteria provided, single submitter. Criteria: ACMG Guidelines, 2015. Collection method: clinical testing. Allele origin: germline. Inheritance: Autosomal dominant inheritance. Observed: 4 variant alleles, 4 heterozygotes.
Comment: This missense variant replaces serine with leucine at codon 428 of the STK11 protein. Computational prediction suggests that this variant may not impact protein structure and function (internally defined REVEL score threshold <= 0.5, PMID: 27666373). Splice site prediction tools suggest that this variant may not impact RNA splicing. To our knowledge, functional studies have not been performed for this variant. This variant has not been reported in individuals affected with hereditary cancer in the literature. This variant has not been identified in the general population by the Genome Aggregation Database (gnomAD). The available evidence is insufficient to determine the role of this variant in disease conclusively. Therefore, this variant is classified as a Variant of Uncertain Significance.

This study involves interpretation of variants in research participants for the purpose of population health screening. Participant phenotype was not available at the time of variant classification. Additional details can be found in publication PMID: 35346344, PMCID: PMC8962531

Color Diagnostics, LLC DBA Color Health
Classification: Uncertain significance for Hereditary cancer-predisposing syndrome. Last evaluated: 2024-05-10. Review status: criteria provided, single submitter. Criteria: ACMG Guidelines, 2015. Collection method: clinical testing. Allele origin: germline.
Comment: This missense variant replaces serine with leucine at codon 428 of the STK11 protein. Computational prediction suggests that this variant may not impact protein structure and function (internally defined REVEL score threshold <= 0.5, PMID: 27666373). To our knowledge, functional studies have not been reported for this variant. This variant has not been reported in individuals affected with STK11-related disorders in the literature. This variant has not been identified in the general population by the Genome Aggregation Database (gnomAD). The available evidence is insufficient to determine the role of this variant in disease conclusively. Therefore, this variant is classified as a Variant of Uncertain Significance.

Ambry Genetics
Classification: Benign for Hereditary cancer-predisposing syndrome. Last evaluated: 2024-01-17. Review status: criteria provided, single submitter. Criteria: Ambry Variant Classification Scheme 2023. Collection method: clinical testing. Allele origin: germline.

CHEO Genetics Diagnostic Laboratory, Children's Hospital of Eastern Ontario
Classification: Uncertain significance for Breast and/or ovarian cancer. Last evaluated: 2021-08-06. Review status: criteria provided, single submitter. Criteria: ACMG Guidelines, 2015. Collection method: clinical testing. Allele origin: germline.

Genome-Nilou Lab
Classification: Uncertain significance for Peutz-Jeghers syndrome. Last evaluated: 2021-07-15. Review status: criteria provided, single submitter. Criteria: ACMG Guidelines, 2015. Collection method: clinical testing. Allele origin: germline. Affected: no.

GeneDx
Classification: Uncertain significance. Last evaluated: 2019-09-18. Review status: criteria provided, single submitter. Criteria: GeneDx Variant Classification Process June 2021. Collection method: clinical testing. Allele origin: germline. Affected: yes.
Comment: Not observed in large population cohorts (Lek 2016); In silico analysis, which includes protein predictors and evolutionary conservation, supports that this variant does not alter protein structure/function; Has not been previously published as pathogenic or benign to our knowledge; This variant is associated with the following publications: (PMID: 18321849, 18854309)

NM_000455.5(STK11):c.1283C>T (p.Ser428Leu)

Gene: STK11 (serine/threonine kinase 11; plus strand). Cytogenetic location: 19p13.3.
Variant type: single nucleotide variant.
Coding change: c.1283C>T on transcript NM_000455.5 (MANE Select); coding-DNA position 1283, C replaced by T.
Protein change: p.Ser428Leu; replaces serine 428 with leucine.
Molecular consequence: missense variant.
Genome position (GRCh38, 1-based): chr19:1,226,628, C>T. VCF-style: chr19-1226628-C-T. GRCh37 (hg19) VCF-style: chr19-1226627-C-T.
Other names: short protein forms S428L.
Identifiers: ClinVar variation 234438 (VCV000234438.28), dbSNP rs587781537, ClinGen allele CA046284.
Genomic context (GRCh38, chr19:1,226,628, plus strand): 5'-GCCGGGCCCCCAACCCTGCCCGCAAGGCCTGCTCCGCCAGCAGCAAGATCCGCCGGCTGT[C>T]GGCCTGCAAGCAGCAGTGAGGCTGGCCGCCTGCAGGTGGGGCGCGGCGGGGCCCGGGTGG-3'
Protein context (NP_000446.1, residues 418-433): CSASSKIRRL[Ser428Leu]ACKQQ